The following is an entry in ClinVar:

ClinVar aggregate classification (germline): Uncertain significance (1 of 4 stars; one submission).

Conditions:
Hajdu-Cheney syndrome (HJCYS). Also called: ACROOSTEOLYSIS WITH OSTEOPOROSIS AND CHANGES IN SKULL AND MANDIBLE; SERPENTINE FIBULA-POLYCYSTIC KIDNEY SYNDROME; Acroosteolysis dominant type. Identifiers: Orphanet 955, MedGen C0917715, MONDO:0007057, OMIM 102500.

gnomAD v4.1: 18 of 1,614,006 alleles (0.0011%); highest among the groups gnomAD compares: African/African-American, 0.0027%; no homozygotes.

Submission:

Labcorp Genetics (formerly Invitae), Labcorp
Classification: Uncertain significance for Hajdu-Cheney syndrome. Last evaluated: 2025-05-11. Review status: criteria provided, single submitter. Criteria: Invitae Variant Classification Sherloc (09022015). Collection method: clinical testing. Allele origin: germline.
Comment: This sequence change replaces arginine, which is basic and polar, with tryptophan, which is neutral and slightly polar, at codon 2047 of the NOTCH2 protein (p.Arg2047Trp). This variant is present in population databases (rs140353589, gnomAD 0.008%). This variant has not been reported in the literature in individuals affected with NOTCH2-related conditions. ClinVar contains an entry for this variant (Variation ID: 3707201). Invitae Evidence Modeling of protein sequence and biophysical properties (such as structural, functional, and spatial information, amino acid conservation, physicochemical variation, residue mobility, and thermodynamic stability) indicates that this missense variant is expected to disrupt NOTCH2 protein function with a positive predictive value of 80%. In summary, the available evidence is currently insufficient to determine the role of this variant in disease. Therefore, it has been classified as a Variant of Uncertain Significance.

NM_024408.4(NOTCH2):c.6139C>T (p.Arg2047Trp)

Gene: NOTCH2 (notch receptor 2; minus strand). Cytogenetic location: 1p12.
Variant type: single nucleotide variant.
Coding change: c.6139C>T on transcript NM_024408.4 (MANE Select); coding-DNA position 6139, C replaced by T.
Protein change: p.Arg2047Trp; replaces arginine 2047 with tryptophan.
Molecular consequence: missense variant.
Genome position (GRCh38, 1-based): chr1:119,916,583, G>A on the plus strand (C>T on the coding strand, the complement: NOTCH2 is on the minus strand). VCF-style: chr1-119916583-G-A. GRCh37 (hg19) VCF-style: chr1-120459206-G-A.
Other names: short protein forms R2047W.
Identifiers: ClinVar variation 3707201 (VCV003707201.2).